The following is an entry in ClinVar:

ClinVar aggregate classification (germline): Uncertain significance (1 of 4 stars; one submission).

Conditions:
Developmental and epileptic encephalopathy, 25 (DEE25). Also called: Epileptic encephalopathy, early infantile, 25; Developmental and epileptic encephalopathy 25, with amelogenesis imperfecta; Epileptic encephalopathy, early infantile, 25, with amelogenesis imperfecta. Identifiers: Orphanet 442835, MedGen C4014621, MONDO:0014392, OMIM 615905.

gnomAD v4.1: 2 of 1,612,990 alleles (0.00012%); highest among the groups gnomAD compares: East Asian, 0.0045%; no homozygotes.

Submission:

Labcorp Genetics (formerly Invitae), Labcorp
Classification: Uncertain significance for Developmental and epileptic encephalopathy, 25. Last evaluated: 2020-09-20. Review status: criteria provided, single submitter. Criteria: Invitae Variant Classification Sherloc (09022015). Collection method: clinical testing. Allele origin: germline.
Comment: In summary, the available evidence is currently insufficient to determine the role of this variant in disease. Therefore, it has been classified as a Variant of Uncertain Significance. Algorithms developed to predict the effect of missense changes on protein structure and function are either unavailable or do not agree on the potential impact of this missense change (SIFT: "Tolerated"; PolyPhen-2: "Possibly Damaging"; Align-GVGD: "Class C0"). This variant has not been reported in the literature in individuals with SLC13A5-related conditions. This variant is not present in population databases (ExAC no frequency). This sequence change replaces valine with methionine at codon 363 of the SLC13A5 protein (p.Val363Met). The valine residue is moderately conserved and there is a small physicochemical difference between valine and methionine.

NM_177550.5(SLC13A5):c.1087G>A (p.Val363Met)

Gene: SLC13A5 (solute carrier family 13 member 5; minus strand). Cytogenetic location: 17p13.1.
Variant type: single nucleotide variant.
Coding change: c.1087G>A on transcript NM_177550.5 (MANE Select); coding-DNA position 1087, G replaced by A.
Protein change: p.Val363Met; replaces valine 363 with methionine.
Molecular consequence: missense variant.
Genome position (GRCh38, 1-based): chr17:6,694,166, C>T on the plus strand (G>A on the coding strand, the complement: SLC13A5 is on the minus strand). VCF-style: chr17-6694166-C-T. GRCh37 (hg19) VCF-style: chr17-6597485-C-T.
Other names: c.1087G>A, p.Val363Met (NM_001143838.3); c.1036G>A, p.Val346Met (NM_001284509.2); c.958G>A, p.Val320Met (NM_001284510.2); short protein forms V320M, V346M, V363M.
Identifiers: ClinVar variation 1058328 (VCV001058328.9), dbSNP rs2151485566, ClinGen allele CA397742636.